The following is an entry in ClinVar:

NM_001080397.3(SLC45A1):c.437G>A (p.Arg146Gln)

Gene: SLC45A1 (solute carrier family 45 member 1; plus strand). Cytogenetic location: 1p36.23.
Variant type: single nucleotide variant.
Coding change: c.437G>A on transcript NM_001080397.3 (MANE Select); coding-DNA position 437, G replaced by A.
Protein change: p.Arg146Gln; replaces arginine 146 with glutamine.
Molecular consequence: missense variant. On other transcripts: intron variant (4).
Genome position (GRCh38, 1-based): chr1:8,325,337, G>A. VCF-style: chr1-8325337-G-A. GRCh37 (hg19) VCF-style: chr1-8385397-G-A.
Other names: c.437G>A, p.Arg146Gln (NM_001379614.1); c.398-481G>A (NM_001379615.1, NM_001379616.1); c.-116-481G>A (NM_001379617.1, NM_001379618.1); short protein forms R146Q.
Identifiers: ClinVar variation 2597089 (VCV002597089.3), dbSNP rs151227323, ClinGen allele CA570081.

ClinVar aggregate classification (germline): Uncertain significance. Review status: criteria provided, multiple submitters, no conflicts (2 of 4 stars). 2 submissions from 2 submitters: Uncertain significance (2). Last evaluated 2026-09-01.

Allele frequency attached by ClinVar (database versions not stated): TOPMed 0.00005; gnomAD 0.00007; ESP Exome Variant Server 0.00015; 1000 Genomes Project 30x 0.00016; ExAC 0.00016; 1000 Genomes Project 0.00020.
gnomAD v4.1: 269 of 1,613,710 alleles (0.017%); highest among the groups gnomAD compares: South Asian, 0.07%; no homozygotes.

Submissions (2):

CeGaT Center for Human Genetics Tuebingen
Classification: Uncertain significance. Last evaluated: 2026-09-01. Review status: criteria provided, single submitter. Criteria: CeGaT Center For Human Genetics Tuebingen Variant Classification Criteria Version 2. Collection method: clinical testing. Allele origin: germline. Affected: yes. Observed: 1 variant allele.
Comment: SLC45A1: PM2

Ambry Genetics
Classification: Uncertain significance. Last evaluated: 2023-08-21. Review status: criteria provided, single submitter. Criteria: Ambry Variant Classification Scheme 2023. Collection method: clinical testing. Allele origin: germline.